The following is an entry in ClinVar:

NM_001003694.2(BRPF1):c.333C>T (p.Ser111=)

Gene: BRPF1 (bromodomain and PHD finger containing 1; plus strand). Cytogenetic location: 3p25.3.
Variant type: single nucleotide variant.
Coding change: c.333C>T on transcript NM_001003694.2 (MANE Select); coding-DNA position 333, C replaced by T.
Protein change: p.Ser111=; no amino-acid change (serine 111 retained).
Molecular consequence: synonymous variant. On other transcripts: non-coding transcript variant (1).
Genome position (GRCh38, 1-based): chr3:9,734,473, C>T. VCF-style: chr3-9734473-C-T. GRCh37 (hg19) VCF-style: chr3-9776157-C-T.
Other names: c.333C>T, p.Ser111= (NM_001319049.2, NM_001319050.2, NM_001410704.1 and 1 more transcripts).
Identifiers: ClinVar variation 3057591 (VCV003057591.2), dbSNP rs958970931, ClinGen allele CA69954468.
Genomic context (GRCh38, chr3:9,734,473, plus strand): 5'-CTATGCACAGGCCCAGCGCATGGTGGAGGTGGACTTGCATGGCCGCGTCCACCGCATCAG[C>T]ATCTTTGACAACCTGGATGTGGTGTCAGAGGATGAGGAAGCCCCCGAGGAGGCCCCTGAG-3'
Protein context (NP_001003694.1, residues 101-121): VDLHGRVHRI[Ser111=]IFDNLDVVSE

ClinVar aggregate classification (germline): Likely benign (0 of 4 stars; one submission).

Conditions:
BRPF1-related disorder. Also called: BRPF1-related condition.

Allele frequency attached by ClinVar (database versions not stated): gnomAD exomes 0.00001.
gnomAD v4.1: 10 of 1,614,158 alleles (0.00062%); highest among the groups gnomAD compares: Non-Finnish European, 0.00085%; no homozygotes.

Submission:

PreventionGenetics, part of Exact Sciences
Classification: Likely benign for BRPF1-related condition. Last evaluated: 2022-12-27. Review status: no assertion criteria provided. Collection method: clinical testing. Allele origin: germline.
Comment: This variant is classified as likely benign based on ACMG/AMP sequence variant interpretation guidelines (Richards et al. 2015 PMID: 25741868, with internal and published modifications).